The following is an entry in ClinVar:

NM_198827.5(ADGRD1):c.1647C>T (p.Ile549=)

Gene: ADGRD1 (adhesion G protein-coupled receptor D1; plus strand). Cytogenetic location: 12q24.33.
Variant type: single nucleotide variant.
Coding change: c.1647C>T on transcript NM_198827.5 (MANE Select); coding-DNA position 1647, C replaced by T.
Protein change: p.Ile549=; no amino-acid change (isoleucine 549 retained).
Molecular consequence: synonymous variant.
Genome position (GRCh38, 1-based): chr12:131,084,639, C>T. VCF-style: chr12-131084639-C-T. GRCh37 (hg19) VCF-style: chr12-131569184-C-T.
Other names: c.1743C>T, p.Ile581= (NM_001330497.2).
Identifiers: ClinVar variation 2643599 (VCV002643599.24), dbSNP rs774424301, ClinGen allele CA6880166.

ClinVar aggregate classification (germline): Uncertain significance (1 of 4 stars; one submission).

Allele frequency attached by ClinVar (database versions not stated): gnomAD exomes 0.00001; ExAC 0.00002; TOPMed 0.00003.
gnomAD v4.1: 5 of 1,614,180 alleles (0.00031%); highest among the groups gnomAD compares: Admixed American, 0.0083%; no homozygotes.

Submission:

CeGaT Center for Human Genetics Tuebingen
Classification: Uncertain significance. Last evaluated: 2023-07-01. Review status: criteria provided, single submitter. Criteria: CeGaT Center For Human Genetics Tuebingen Variant Classification Criteria Version 2. Collection method: clinical testing. Allele origin: germline. Affected: yes. Observed: 1 variant allele.
Comment: ADGRD1: PM2, BP4